The following is an entry in ClinVar:

ClinVar aggregate classification (germline): Uncertain significance (1 of 4 stars; one submission).

Submission:

GeneDx
Classification: Uncertain significance. Last evaluated: 2017-11-09. Review status: criteria provided, single submitter. Criteria: GeneDx Variant Classification (06012015). Collection method: clinical testing. Allele origin: germline. Affected: yes.
Comment: The c.702_708delCCGCGCCinsGTGT variant in the SIM1 gene has not been reported previously as a pathogenic variant nor as a benign variant, to our knowledge. The c.702_708delCCGCGCCinsGTGT variant an in-frame deletion of three amnio acid residues and replaces them with two incorrect residues, denoted p.Phe234_Ala236delinsLeuCys. In-silico analyses, including protein predictors and evolutionary conservation, support a deleterious effect. The c.702_708delCCGCGCCinsGTGT variant is not observed in large population cohorts (Lek et al., 2016). We interpret c.702_708delCCGCGCCinsGTGT as a variant of uncertain significance.

NM_005068.3(SIM1):c.702_708delinsGTGT (p.Phe234_Ala236delinsLeuCys)

Gene: SIM1 (SIM bHLH transcription factor 1; minus strand). Cytogenetic location: 6q16.3.
Variant type: Indel.
Coding change: c.702_708delinsGTGT on transcript NM_005068.3 (MANE Select); coding-DNA positions 702 to 708, CCGCGCC replaced by GTGT.
Protein change: p.Phe234_Ala236delinsLeuCys.
Molecular consequence: inframe indel.
Genome position (GRCh38, 1-based): chr6:100,448,514-100,448,520, GGCGCGG replaced by ACAC on the plus strand (CCGCGCC replaced by GTGT on the coding strand, the reverse complement: SIM1 is on the minus strand). VCF-style: chr6-100448514-GGCGCGG-ACAC. GRCh37 (hg19) VCF-style: chr6-100896390-GGCGCGG-ACAC.
Other names: c.702_708delCCGCGCCinsGTGT (NM_005068.2); c.702_708delinsGTGT, p.Phe234_Ala236delinsLeuCys (NM_001374769.1).
Identifiers: ClinVar variation 503819 (VCV000503819.1), dbSNP rs1554224546, ClinGen allele CA658796797.
Genomic context (GRCh38, chr6:100,448,514, plus strand): 5'-GCCCTTTCCGGCCCTGCCCACCCACCTGGAGTCCAGAAAGATGAGCTTCATGTCCAGGCT[GGCGCGG>ACAC]AACATAAACATATTGCTGTGTAGCTTGATCTCCGTGACGGCGCTGGGAGGCAGCGAGTGG-3'